The following is an entry in ClinVar:

NM_001267550.2(TTN):c.11851C>T (p.Gln3951Ter)

Gene: TTN (titin; minus strand). Cytogenetic location: 2q31.2.
Variant type: single nucleotide variant.
Coding change: c.11851C>T on transcript NM_001267550.2 (MANE Select); coding-DNA position 11851, C replaced by T.
Protein change: p.Gln3951Ter; replaces glutamine 3951 with a stop codon.
Molecular consequence: nonsense. On other transcripts: intron variant (1).
Genome position (GRCh38, 1-based): chr2:178,741,382, G>A on the plus strand (C>T on the coding strand, the complement: TTN is on the minus strand). VCF-style: chr2-178741382-G-A. GRCh37 (hg19) VCF-style: chr2-179606109-G-A.
Other names: c.10900C>T, p.Gln3634Ter (NM_001256850.1); c.10762C>T, p.Gln3588Ter (NM_003319.4); c.11137C>T, p.Gln3713Ter (NM_133432.3); c.11338C>T, p.Gln3780Ter (NM_133437.4); c.10361-3022C>T (NM_133378.4); short protein forms Q3588*, Q3634*, Q3713*, Q3780*, Q3951*.
Identifiers: ClinVar variation 3751525 (VCV003751525.2).

ClinVar aggregate classification (germline): Likely pathogenic (1 of 4 stars; one submission).

Conditions:
Autosomal recessive limb-girdle muscular dystrophy type 2J (LGMDR10). Also called: Limb-girdle muscular dystrophy, type 2J; MUSCULAR DYSTROPHY, LIMB-GIRDLE, AUTOSOMAL RECESSIVE 10. Identifiers: Orphanet 140922, MedGen C1837342, MONDO:0012127, OMIM 608807.
Dilated cardiomyopathy 1G (CMD1G). Identifiers: Orphanet 154, MedGen C1858763, MONDO:0011400, OMIM 604145.

Submission:

Labcorp Genetics (formerly Invitae), Labcorp
Classification: Likely pathogenic for Dilated cardiomyopathy 1G; Autosomal recessive limb-girdle muscular dystrophy type 2J. Last evaluated: 2024-10-18. Review status: criteria provided, single submitter. Criteria: Invitae Variant Classification Sherloc (09022015). Collection method: clinical testing. Allele origin: germline.
Comment: This sequence change creates a premature translational stop signal (p.Gln3951*) in the TTN gene. While this is not anticipated to result in nonsense mediated decay, it is expected to create a truncated TTN protein. This variant is not present in population databases (gnomAD no frequency). This variant has not been reported in the literature in individuals affected with TTN-related conditions. Experimental studies and prediction algorithms are not available or were not evaluated, and the functional significance of this variant is currently unknown. This variant is located in the I band of TTN (PMID: 25589632). Truncating variants in this region have been reported in individuals affected with autosomal recessive centronuclear myopathy (PMID: 23975875, internal data). Truncating variants in this region have also been identified in individuals affected with autosomal dominant dilated cardiomyopathy and/or cardio-related conditions (PMID: 27869827, 32964742, internal data). In summary, the currently available evidence indicates that the variant is pathogenic, but additional data are needed to prove that conclusively. Therefore, this variant has been classified as Likely Pathogenic.

Literature cited by the submitters: PubMed 25589632; PubMed 23975875; PubMed 27869827; PubMed 32964742.